The following is an entry in ClinVar:

Conditions:
Long QT syndrome 5 (LQT5). Identifiers: Orphanet 101016, Orphanet 768, MedGen C1867904, MONDO:0013372, OMIM 613695.

Submission:

Roden Lab, Vanderbilt University Medical Center
No classification provided (evidence only). Condition: Long QT syndrome 5. Review status: no classification provided. Collection method: in vitro. Allele origin: not applicable. Functional consequence: Effect on ion channel function.
ClinVar note: "not provided" was previously submitted as the classification for the variant. However, the classification appeared to be based only on an observation of functional data so it was converted to no classification on 2025-07-30.

NM_000219.6(KCNE1):c.323T>A (p.Val108Asp)

Gene: KCNE1 (potassium voltage-gated channel subfamily E regulatory subunit 1; minus strand). Cytogenetic location: 21q22.12.
Variant type: single nucleotide variant.
Coding change: c.323T>A on transcript NM_000219.6 (MANE Select); coding-DNA position 323, T replaced by A.
Protein change: p.Val108Asp; replaces valine 108 with aspartic acid.
Molecular consequence: missense variant.
Genome position (GRCh38, 1-based): chr21:34,449,312, A>T on the plus strand (T>A on the coding strand, the complement: KCNE1 is on the minus strand). VCF-style: chr21-34449312-A-T. GRCh37 (hg19) VCF-style: chr21-35821610-A-T.
Other names: c.323T>A, p.Val108Asp (NM_001127668.4, NM_001127669.4, NM_001127670.4 and 4 more transcripts); short protein forms V108D.
Identifiers: ClinVar variation 3374638 (VCV003374638.2).